The following is an entry in ClinVar:

ClinVar aggregate classification (germline): Uncertain significance. Review status: reviewed by expert panel (3 of 4 stars). 6 submissions from 6 submitters: Uncertain significance (1). 5 of the submissions do not count toward it. Last evaluated 2025-11-13.

Conditions:
Primary dilated cardiomyopathy (DCM). Also called: Dilated Cardiomyopathy. Identifiers: Orphanet 217604, MedGen C0007193, MeSH D002311, MONDO:0005021, HP:0001644. Inheritance: Various modes of inheritance.
Atrial septal defect 5 (ASD5). Identifiers: Orphanet 1478, MedGen C2748552, MONDO:0013011, OMIM 612794.
Dilated cardiomyopathy 1R (CMD1R). Identifiers: Orphanet 154, Orphanet 54260, MedGen C3150681, MONDO:0013261, OMIM 613424.
Hypertrophic cardiomyopathy 11. Also called: ACTC1-Related Familial Hypertrophic Cardiomyopathy. Identifiers: MedGen C2677506, MONDO:0012799, OMIM 612098.
ACTC1-related disorder. Also called: ACTC1-related condition.
Cardiomyopathy (CMYO). Also called: Cardiomyopathies. Identifiers: Orphanet 167848, MedGen C0878544, MONDO:0004994, HP:0001638. Inheritance: Various modes of inheritance.
Hypertrophic cardiomyopathy. Also called: HYPERTROPHIC MYOCARDIOPATHY. Identifiers: Orphanet 217569, MedGen C0007194, MeSH D002312, MONDO:0005045, HP:0001639.

Allele frequency attached by ClinVar (database versions not stated): gnomAD exomes below 0.00001; TOPMed 0.00001.
gnomAD v4.1: 11 of 1,614,028 alleles (0.00068%); highest among the groups gnomAD compares: South Asian, 0.0011%; no homozygotes.

Submissions (6):

ClinGen Cardiomyopathy Variant Curation Expert Panel
Classification: Uncertain significance for Primary dilated cardiomyopathy. Last evaluated: 2025-11-13. Review status: reviewed by expert panel. Criteria: ClinGen CMP ACMG Specifications ACTC1 V1.0.0. Collection method: curation. Allele origin: germline. Inheritance: Autosomal dominant inheritance.
Comment: NM_005159.5(ACTC1):c.166G>A (p.Val56Ile) - This variant has been reported in individuals with DCM (personal communication: UK Laboratory) and is statistically increased in individuals with cardiomyopathy compared to controls [OR lower 95% CI >5]. Therefore, PS4_Supporting criteria has been applied. This variant is absent from gnomAD v2.1.1 (PM2_Supporting). Computational prediction tools are inconclusive about the potential impact of this variant (REVEL score <0.7). Therefore, this variant is classified as Uncertain Significance for DCM in an autosomal dominant manner based on PS4_Supporting and PM2_Supporting.

Labcorp Genetics (formerly Invitae), Labcorp
Classification: Uncertain significance for Dilated cardiomyopathy 1R; Hypertrophic cardiomyopathy 11; Atrial septal defect 5. Last evaluated: 2024-08-29. Review status: criteria provided, single submitter. Criteria: Invitae Variant Classification Sherloc (09022015). Collection method: clinical testing. Allele origin: germline. Not counted in ClinVar's aggregate classification.
Comment: This sequence change replaces valine, which is neutral and non-polar, with isoleucine, which is neutral and non-polar, at codon 56 of the ACTC1 protein (p.Val56Ile). This variant is present in population databases (no rsID available, gnomAD 0.0009%). This variant has not been reported in the literature in individuals affected with ACTC1-related conditions. ClinVar contains an entry for this variant (Variation ID: 920028). Invitae Evidence Modeling of protein sequence and biophysical properties (such as structural, functional, and spatial information, amino acid conservation, physicochemical variation, residue mobility, and thermodynamic stability) indicates that this missense variant is not expected to disrupt ACTC1 protein function with a negative predictive value of 80%. In summary, the available evidence is currently insufficient to determine the role of this variant in disease. Therefore, it has been classified as a Variant of Uncertain Significance.

Color Diagnostics, LLC DBA Color Health
Classification: Uncertain significance for Cardiomyopathy. Last evaluated: 2024-07-26. Review status: criteria provided, single submitter. Criteria: ACMG Guidelines, 2015. Collection method: clinical testing. Allele origin: germline. Not counted in ClinVar's aggregate classification.
Comment: This missense variant replaces valine with isoleucine at codon 56 of the ACTC1 protein. Computational prediction is inconclusive regarding the impact of this variant on protein structure and function. To our knowledge, functional studies have not been reported for this variant. This variant has not been reported in individuals affected with ACTC1-related disorders in the literature. This variant has been identified in 1/251412 chromosomes in the general population by the Genome Aggregation Database (gnomAD). The available evidence is insufficient to determine the role of this variant in disease conclusively. Therefore, this variant is classified as a Variant of Uncertain Significance.

All of Us Research Program, National Institutes of Health
Classification: Uncertain significance for Hypertrophic cardiomyopathy. Last evaluated: 2023-11-20. Review status: criteria provided, single submitter. Criteria: ACMG Guidelines, 2015. Collection method: clinical testing. Allele origin: germline. Inheritance: Autosomal dominant inheritance. Observed: 3 variant alleles, 3 heterozygotes. Not counted in ClinVar's aggregate classification.
Comment: This missense variant replaces valine with isoleucine at codon 56 of the ACTC1 protein. Computational prediction is inconclusive regarding the impact of this variant on protein structure and function (internally defined REVEL score threshold 0.5 < inconclusive < 0.7, PMID: 27666373). Splice site prediction tools suggest that this variant may not impact RNA splicing. To our knowledge, functional studies have not been performed for this variant. This variant has not been reported in individuals affected with cardiovascular disorders in the literature. This variant has been identified in 1/251412 chromosomes in the general population by the Genome Aggregation Database (gnomAD). The available evidence is insufficient to determine the role of this variant in disease conclusively. Therefore, this variant is classified as a Variant of Uncertain Significance.

This study involves interpretation of variants in research participants for the purpose of population health screening. Participant phenotype was not available at the time of variant classification. Additional details can be found in publication PMID: 35346344, PMCID: PMC8962531

PreventionGenetics, part of Exact Sciences
Classification: Uncertain significance for ACTC1-related condition. Last evaluated: 2023-05-03. Review status: criteria provided, single submitter. Criteria: ACMG Guidelines, 2015. Collection method: clinical testing. Allele origin: germline. Not counted in ClinVar's aggregate classification.
Comment: The ACTC1 c.166G>A variant is predicted to result in the amino acid substitution p.Val56Ile. To our knowledge, this variant has not been reported in the literature. This variant is reported in 0.00088% of alleles in individuals of European (Non-Finnish) descent in gnomAD. At this time, the clinical significance of this variant is uncertain due to the absence of conclusive functional and genetic evidence.

Phosphorus, Inc.
Classification: Uncertain significance. Last evaluated: 2022-01-14. Review status: criteria provided, single submitter. Criteria: ACMG Guidelines, 2015. Collection method: clinical testing. Allele origin: germline. Inheritance: Autosomal dominant inheritance. Not counted in ClinVar's aggregate classification.
Comment: This missense variant represents an amino acid substitution of valine with isoleucine in codon 56 of the ACTC1 gene. This variant is present in gnomAD once for a total MAF of 0.0004%. This position is conserved (GERP = 5.4899). In silico functional algorithms predict this variant to be benign and tolerated (PolyPhen/SIFT); however no functional studies have been performed to confirm these predictions. This variant is not present in the literature in association with disease. Considering this is a rare variant, whose impact on the protein and association with disease are unknown, this variant is classified as a Variant of Uncertain Significance.

NM_005159.5(ACTC1):c.166G>A (p.Val56Ile)

Genes: ACTC1 (actin alpha cardiac muscle 1; minus strand), GJD2-DT (GJD2 divergent transcript; plus strand). Cytogenetic location: 15q14.
Variant type: single nucleotide variant.
Coding change: c.166G>A on transcript NM_005159.5 (MANE Select); coding-DNA position 166, G replaced by A.
Protein change: p.Val56Ile; replaces valine 56 with isoleucine.
Molecular consequence: missense variant.
Genome position (GRCh38, 1-based): chr15:34,793,533, C>T on the plus strand (G>A on the coding strand, the complement: ACTC1 is on the minus strand). VCF-style: chr15-34793533-C-T. GRCh37 (hg19) VCF-style: chr15-35085734-C-T.
Other names: short protein forms V56I.
Identifiers: ClinVar variation 920028 (VCV000920028.14), dbSNP rs944740404, ClinGen allele CA268663502.